The following is an entry in ClinVar:

NM_199420.4(POLQ):c.3517A>T (p.Ile1173Leu)

Gene: POLQ (DNA polymerase theta; minus strand). Cytogenetic location: 3q13.33.
Variant type: single nucleotide variant.
Coding change: c.3517A>T on transcript NM_199420.4 (MANE Select); coding-DNA position 3517, A replaced by T.
Protein change: p.Ile1173Leu; replaces isoleucine 1173 with leucine.
Molecular consequence: missense variant.
Genome position (GRCh38, 1-based): chr3:121,489,414, T>A on the plus strand (A>T on the coding strand, the complement: POLQ is on the minus strand). VCF-style: chr3-121489414-T-A. GRCh37 (hg19) VCF-style: chr3-121208261-T-A.
Other names: short protein forms I1173L.
Identifiers: ClinVar variation 1732217 (VCV001732217.3), dbSNP rs2546787301, ClinGen allele CA354099543.

ClinVar aggregate classification (germline): Uncertain significance (1 of 4 stars; one submission).

gnomAD v4.1: 1 of 1,614,078 alleles (0.000062%); highest among the groups gnomAD compares: Non-Finnish European, 0.000085%; no homozygotes.

Submission:

Ambry Genetics
Classification: Uncertain significance. Last evaluated: 2024-06-28. Review status: criteria provided, single submitter. Criteria: Ambry Variant Classification Scheme 2023. Collection method: clinical testing. Allele origin: germline.
Comment: The p.I1173L variant (also known as c.3517A>T), located in coding exon 16 of the POLQ gene, results from an A to T substitution at nucleotide position 3517. The isoleucine at codon 1173 is replaced by leucine, an amino acid with highly similar properties. This amino acid position is conserved. In addition, this alteration is predicted to be tolerated by in silico analysis. Since supporting evidence is limited at this time, the clinical significance of this alteration remains unclear.